The following is an entry in ClinVar:

NM_000257.4(MYH7):c.4187G>A (p.Arg1396Gln)

Gene: MYH7 (myosin heavy chain 7; minus strand). Cytogenetic location: 14q11.2.
Variant type: single nucleotide variant.
Coding change: c.4187G>A on transcript NM_000257.4 (MANE Select); coding-DNA position 4187, G replaced by A.
Protein change: p.Arg1396Gln; replaces arginine 1396 with glutamine.
Molecular consequence: missense variant.
Genome position (GRCh38, 1-based): chr14:23,417,669, C>T on the plus strand (G>A on the coding strand, the complement: MYH7 is on the minus strand). VCF-style: chr14-23417669-C-T. GRCh37 (hg19) VCF-style: chr14-23886878-C-T.
Other names: p.R1396Q:CGG>CAG; c.4187G>A (LRG_384t1); short protein forms R1396Q.
Identifiers: ClinVar variation 181247 (VCV000181247.21), dbSNP rs370069461, ClinGen allele CA014586.

ClinVar aggregate classification (germline): Conflicting classifications of pathogenicity. Review status: criteria provided, conflicting classifications (1 of 4 stars). 11 submissions from 8 submitters: Likely pathogenic (1); Uncertain significance (10). Last evaluated 2026-08-21.

Conditions:
MYH7-related disorder. Also called: MYH7-related condition; MYH7-related disease; MYH7-related disorders.
Myosin storage myopathy (CMYO7A). Also called: MYH7-related late-onset scapuloperoneal muscular dystrophy; Congenital myopathy 7A, myosin storage, autosomal dominant; MYOPATHY, HYALINE BODY, AUTOSOMAL DOMINANT; SCAPULOPERONEAL MUSCULAR DYSTROPHY; SCAPULOPERONEAL SYNDROME, MYOPATHIC TYPE; Scapuloperoneal myopathy, MYH7-related. Identifiers: Orphanet 437572, Orphanet 636965, MedGen C1842160, MONDO:0008409, OMIM 608358.
Cardiovascular phenotype. Identifiers: MedGen CN230736.
MYH7-related skeletal myopathy. Also called: Myopathy, distal, 1; Laing distal myopathy; Laing early-onset distal myopathy; MYOPATHY, DISTAL, EARLY-ONSET, AUTOSOMAL DOMINANT; MYOPATHY, LATE DISTAL HEREDITARY. Identifiers: Orphanet 59135, MedGen C4552004, MONDO:0008050, OMIM 160500.
Hypertrophic cardiomyopathy 1 (CMH1). Also called: MYH7-Related Familial Hypertrophic Cardiomyopathy; Familial hypertrophic cardiomyopathy 1. Identifiers: MedGen C3495498, MONDO:0008647, OMIM 192600.
Cardiomyopathy (CMYO). Also called: Cardiomyopathies. Identifiers: Orphanet 167848, MedGen C0878544, MONDO:0004994, HP:0001638. Inheritance: Various modes of inheritance.
Dilated cardiomyopathy 1S (CMD1S). Identifiers: Orphanet 154, Orphanet 54260, MedGen C1834481, MONDO:0013262, OMIM 613426.
Hypertrophic cardiomyopathy. Also called: HYPERTROPHIC MYOCARDIOPATHY. Identifiers: Orphanet 217569, MedGen C0007194, MeSH D002312, MONDO:0005045, HP:0001639.

Allele frequency attached by ClinVar (database versions not stated): gnomAD exomes below 0.00001 and 0.00001; ExAC 0.00001; TOPMed 0.00001; ESP Exome Variant Server 0.00008.
gnomAD v4.1: 7 of 1,612,956 alleles (0.00043%); highest among the groups gnomAD compares: Middle Eastern, 0.02%; no homozygotes.

Submissions (11):

PreventionGenetics, part of Exact Sciences
Classification: Uncertain significance for MYH7-related condition. Last evaluated: 2026-08-21. Review status: criteria provided, single submitter. Criteria: ACMG Guidelines, 2015. Collection method: clinical testing. Allele origin: germline.
Comment: The MYH7 c.4187G>A variant is predicted to result in the amino acid substitution p.Arg1396Gln. This variant has been reported in an individual with dilated cardiomyopathy (Sezginer Guler et al. 2024. PubMed ID: 40475167). This variant is reported in 0.00088% of alleles in individuals of European (non-Finnish) descent in gnomAD, and has conflicting interpretations from uncertain to likely pathogenic in the ClinVar database (Variation ID: 181247). At this time, the clinical significance of this variant is uncertain due to the absence of conclusive functional and genetic evidence.

Labcorp Genetics (formerly Invitae), Labcorp
Classification: Likely pathogenic for Hypertrophic cardiomyopathy. Last evaluated: 2025-11-17. Review status: criteria provided, single submitter. Criteria: Invitae Variant Classification Sherloc (09022015). Collection method: clinical testing. Allele origin: germline.
Comment: This sequence change replaces arginine, which is basic and polar, with glutamine, which is neutral and polar, at codon 1396 of the MYH7 protein (p.Arg1396Gln). This variant is present in population databases (rs370069461, gnomAD 0.0009%). This missense change has been observed in individual(s) with dilated cardiomyopathy, myopathy and/or other cardiomyopathies (PMID: 37937776; internal data). ClinVar contains an entry for this variant (Variation ID: 181247). Invitae Evidence Modeling of protein sequence and biophysical properties (such as structural, functional, and spatial information, amino acid conservation, physicochemical variation, residue mobility, and thermodynamic stability) indicates that this missense variant is expected to disrupt MYH7 protein function with a positive predictive value of 95%. This variant disrupts the p.Arg1396 amino acid residue in MYH7. Other variant(s) that disrupt this residue have been determined to be pathogenic (internal data). This suggests that this residue is clinically significant, and that variants that disrupt this residue are likely to be disease-causing. In summary, the currently available evidence indicates that the variant is pathogenic, but additional data are needed to prove that conclusively. Therefore, this variant has been classified as Likely Pathogenic.

Molecular Diagnostic Laboratory for Inherited Cardiovascular Disease, Montreal Heart Institute
Classification: Uncertain significance for Cardiovascular phenotype. Last evaluated: 2025-07-24. Review status: criteria provided, single submitter. Criteria: ACMG Guidelines, 2015. Collection method: clinical testing. Allele origin: germline. Affected: yes.
Comment: PM2

Color Diagnostics, LLC DBA Color Health
Classification: Uncertain significance for Cardiomyopathy. Last evaluated: 2025-06-09. Review status: criteria provided, single submitter. Criteria: ACMG Guidelines, 2015. Collection method: clinical testing. Allele origin: germline.
Comment: This missense variant replaces arginine with glutamine at codon 1396 of the MYH7 protein. Computational prediction suggests that this variant may have a deleterious impact on protein structure and function. To our knowledge, functional studies have not been reported for this variant. This variant has not been reported in individuals affected with MYH7-related disorders in the literature. This variant has been identified in 1/251328 chromosomes in the general population by the Genome Aggregation Database (gnomAD). The available evidence is insufficient to determine the role of this variant in disease conclusively. Therefore, this variant is classified as a Variant of Uncertain Significance.

All of Us Research Program, National Institutes of Health
Classification: Uncertain significance for Cardiomyopathy. Last evaluated: 2023-06-27. Review status: criteria provided, single submitter. Criteria: ACMG Guidelines, 2015. Collection method: clinical testing. Allele origin: germline. Inheritance: Autosomal dominant inheritance. Observed: 1 variant allele, 1 heterozygote.
Comment: This study involves interpretation of variants in research participants for the purpose of population health screening. Participant phenotype was not available at the time of variant classification. Additional details can be found in publication PMID: 35346344, PMCID: PMC8962531

Ambry Genetics
Classification: Uncertain significance for Cardiovascular phenotype. Last evaluated: 2023-01-17. Review status: criteria provided, single submitter. Criteria: Ambry Variant Classification Scheme 2023. Collection method: clinical testing. Allele origin: germline.
Comment: The p.R1396Q variant (also known as c.4187G>A), located in coding exon 29 of the MYH7 gene, results from a G to A substitution at nucleotide position 4187. The arginine at codon 1396 is replaced by glutamine, an amino acid with highly similar properties. This variant has been detected in an individual without cardiomyopathy or skeletal muscle phenotype; however, details were limited (Park J et al. Hum Mol Genet, 2022 Mar;31:827-837). This amino acid position is highly conserved in available vertebrate species. In addition, the in silico prediction for this alteration is inconclusive. Since supporting evidence is limited at this time, the clinical significance of this alteration remains unclear.

GeneDx
Classification: Uncertain significance. Last evaluated: 2020-08-07. Review status: criteria provided, single submitter. Criteria: GeneDx Variant Classification Process June 2021. Collection method: clinical testing. Allele origin: germline. Affected: yes.
Comment: Has not been previously published as pathogenic or benign to our knowledge; Reported in ClinVar as a variant of uncertain significance (ClinVar Variant ID# 181247; Landrum et al., 2016); Not observed at a significant frequency in large population cohorts (Lek et al., 2016); In silico analysis, which includes protein predictors and evolutionary conservation, supports a deleterious effect

Illumina Laboratory Services, Illumina
Classification: Uncertain significance for Hypertrophic cardiomyopathy 1. Last evaluated: 2018-01-12. Review status: criteria provided, single submitter. Criteria: ICSL Variant Classification Criteria 13 December 2019. Collection method: clinical testing. Allele origin: germline.

Illumina Laboratory Services, Illumina
Classification: Uncertain significance for Dilated cardiomyopathy 1S. Last evaluated: 2018-01-12. Review status: criteria provided, single submitter. Criteria: ICSL Variant Classification Criteria 13 December 2019. Collection method: clinical testing. Allele origin: germline.

Illumina Laboratory Services, Illumina
Classification: Uncertain significance for Myosin storage myopathy. Last evaluated: 2018-01-12. Review status: criteria provided, single submitter. Criteria: ICSL Variant Classification Criteria 13 December 2019. Collection method: clinical testing. Allele origin: germline.

Illumina Laboratory Services, Illumina
Classification: Uncertain significance for MYH7-related skeletal myopathy. Last evaluated: 2018-01-12. Review status: criteria provided, single submitter. Criteria: ICSL Variant Classification Criteria 13 December 2019. Collection method: clinical testing. Allele origin: germline.

Literature cited by the submitters: PubMed 37937776 (cited by Labcorp Genetics (formerly Invitae), Labcorp); PubMed 34542152 (cited by Ambry Genetics).